The following is an entry in ClinVar:

NM_000528.4(MAN2B1):c.2917A>G (p.Asn973Asp)

Gene: MAN2B1 (mannosidase alpha class 2B member 1; minus strand). Cytogenetic location: 19p13.13.
Variant type: single nucleotide variant.
Coding change: c.2917A>G on transcript NM_000528.4 (MANE Select); coding-DNA position 2917, A replaced by G.
Protein change: p.Asn973Asp; replaces asparagine 973 with aspartic acid.
Molecular consequence: missense variant.
Genome position (GRCh38, 1-based): chr19:12,647,239, T>C on the plus strand (A>G on the coding strand, the complement: MAN2B1 is on the minus strand). VCF-style: chr19-12647239-T-C. GRCh37 (hg19) VCF-style: chr19-12758053-T-C.
Other names: c.2914A>G, p.Asn972Asp (NM_001173498.2); short protein forms N973D, N972D.
Identifiers: ClinVar variation 527127 (VCV000527127.8), dbSNP rs148080695, ClinGen allele CA9225881.

ClinVar aggregate classification (germline): Likely benign. Review status: criteria provided, multiple submitters, no conflicts (2 of 4 stars). 2 submissions from 2 submitters: Likely benign (2). Last evaluated 2025-12-17.

Conditions:
Deficiency of alpha-mannosidase (MANSA). Also called: LYSOSOMAL ALPHA-D-MANNOSIDASE DEFICIENCY; Mannosidosis, alpha-, types I and II; Alpha-Mannosidosis. Identifiers: Orphanet 61, MedGen C0024748, MONDO:0009561, OMIM 248500.
MAN2B1-related disorder. Also called: MAN2B1-related condition.

Allele frequency attached by ClinVar (database versions not stated): gnomAD exomes 0.00004 and 0.00013; ExAC 0.00017; TOPMed 0.00035; gnomAD 0.00036 and 0.00038; ESP Exome Variant Server 0.00069; 1000 Genomes Project 30x 0.00078; 1000 Genomes Project 0.00100.
gnomAD v4.1: 111 of 1,613,610 alleles (0.0069%); highest among the groups gnomAD compares: African/African-American, 0.13%; no homozygotes.

Submissions (2):

Labcorp Genetics (formerly Invitae), Labcorp
Classification: Likely benign for Deficiency of alpha-mannosidase. Last evaluated: 2025-12-17. Review status: criteria provided, single submitter. Criteria: Invitae Variant Classification Sherloc (09022015). Collection method: clinical testing. Allele origin: germline.

PreventionGenetics, part of Exact Sciences
Classification: Likely benign for MAN2B1-related condition. Last evaluated: 2025-03-24. Review status: criteria provided, single submitter. Criteria: ACMG Guidelines, 2015. Collection method: clinical testing. Allele origin: germline.
Comment: This variant is classified as likely benign based on ACMG/AMP sequence variant interpretation guidelines (Richards et al. 2015 PMID: 25741868, with internal and published modifications).